The following is an entry in ClinVar:

ClinVar aggregate classification (germline): Likely benign. Review status: criteria provided, multiple submitters, no conflicts (2 of 4 stars). 2 submissions from 2 submitters: Likely benign (2). Last evaluated 2026-04-08.

Conditions:
STIM1-related disorder. Also called: STIM1-related condition.
Myopathy with tubular aggregates (TAM). Also called: Tubular Aggregate Myopathy. Identifiers: Orphanet 2593, MedGen C0410207, MONDO:0008051.
Combined immunodeficiency due to STIM1 deficiency. Also called: STIM1 DEFICIENCY; IMMUNODEFICIENCY 10. Identifiers: Orphanet 169090, Orphanet 317430, MedGen C2748557, MONDO:0013008, OMIM 612783.
Stormorken syndrome (STRMK). Also called: THROMBOCYTOPATHY, ASPLENIA, AND MIOSIS. Identifiers: Orphanet 3204, MedGen C1861451, MONDO:0008497, OMIM 185070.

Allele frequency attached by ClinVar (database versions not stated): ExAC 0.00001; gnomAD exomes 0.00001; gnomAD 0.00003; TOPMed 0.00004; ESP Exome Variant Server 0.00008.
gnomAD v4.1: 20 of 1,613,968 alleles (0.0012%); highest among the groups gnomAD compares: African/African-American, 0.0027%; no homozygotes.

Submissions (2):

PreventionGenetics, part of Exact Sciences
Classification: Likely benign for STIM1-related condition. Last evaluated: 2026-04-08. Review status: criteria provided, single submitter. Criteria: ACMG Guidelines, 2015. Collection method: clinical testing. Allele origin: germline.
Comment: This variant is classified as likely benign based on ACMG/AMP sequence variant interpretation guidelines (Richards et al. 2015 PMID: 25741868, with internal and published modifications).

Labcorp Genetics (formerly Invitae), Labcorp
Classification: Likely benign for Myopathy with tubular aggregates; Combined immunodeficiency due to STIM1 deficiency; Stormorken syndrome. Last evaluated: 2025-11-08. Review status: criteria provided, single submitter. Criteria: Invitae Variant Classification Sherloc (09022015). Collection method: clinical testing. Allele origin: germline.

NM_001382567.1(STIM1):c.306A>G (p.Thr102=)

Gene: STIM1 (stromal interaction molecule 1; plus strand). Cytogenetic location: 11p15.4.
Variant type: single nucleotide variant.
Coding change: c.306A>G on transcript NM_001382567.1 (MANE Select); coding-DNA position 306, A replaced by G.
Protein change: p.Thr102=; no amino-acid change (threonine 102 retained).
Molecular consequence: synonymous variant. On other transcripts: 5 prime UTR variant (3), non-coding transcript variant (3).
Genome position (GRCh38, 1-based): chr11:4,023,908, A>G. VCF-style: chr11-4023908-A-G. GRCh37 (hg19) VCF-style: chr11-4045138-A-G.
Other names: c.306A>G, p.Thr102= (NM_001277961.3, NM_001277962.2, NM_001382568.1 and 3 more transcripts); c.84A>G, p.Thr28= (NM_001382566.1, NM_001382573.1, NM_001382574.1 and 5 more transcripts); c.171A>G, p.Thr57= (NM_001382569.1); c.-63A>G (NM_001382571.1); c.-184A>G (NM_001382580.1, NM_001382581.1).
Identifiers: ClinVar variation 705880 (VCV000705880.12), dbSNP rs140167452, ClinGen allele CA5830178.
Genomic context (GRCh38, chr11:4,023,908, plus strand): 5'-TGACTTGTGTACTTTTCCCTTGCAGTTCCTGAGGGAAGACCTCAATTACCATGACCCAAC[A>G]GTGAAACACAGCACCTTCCATGGTGAGGATAAGCTCATCAGCGTGGAGGACCTGTGGAAG-3'
Protein context (NP_001369496.1, residues 92-112): LREDLNYHDP[Thr102=]VKHSTFHGED